The following is an entry in ClinVar:

NM_003036.4(SKI):c.1177C>T (p.Leu393Phe)

Gene: SKI (SKI proto-oncogene; plus strand). Cytogenetic location: 1p36.32.
Variant type: single nucleotide variant.
Coding change: c.1177C>T on transcript NM_003036.4 (MANE Select); coding-DNA position 1177, C replaced by T.
Protein change: p.Leu393Phe; replaces leucine 393 with phenylalanine.
Molecular consequence: missense variant.
Genome position (GRCh38, 1-based): chr1:2,303,366, C>T. VCF-style: chr1-2303366-C-T. GRCh37 (hg19) VCF-style: chr1-2234805-C-T.
Other names: c.1177C>T (NM_003036.3); short protein forms L393F.
Identifiers: ClinVar variation 2980506 (VCV002980506.4), dbSNP rs768838307, ClinGen allele CA536604.
Genomic context (GRCh38, chr1:2,303,366, plus strand): 5'-CGCCAGCGCCTCTCTGCTTTCCGACCCTGGTCCCCCGCAGTGTCAGCGAGTGAGAAAGAG[C>T]TCTCCCCACACCTCCCGGCCCTCATCCGAGACAGGTGAGTGGGCGCCATTCACAGGTGTT-3'
Protein context (NP_003027.1, residues 383-403): SPAVSASEKE[Leu393Phe]SPHLPALIRD

ClinVar aggregate classification (germline): Uncertain significance. Review status: criteria provided, multiple submitters, no conflicts (2 of 4 stars). 2 submissions from 2 submitters: Uncertain significance (2). Last evaluated 2026-07-31.

Conditions:
Shprintzen-Goldberg syndrome (SGS). Also called: Marfanoid disorder with craniosynostosis type 1; Marfanoid craniosynostosis syndrome; Shprintzen-Goldberg marfanoid syndrome; SHPRINTZEN-GOLDBERG CRANIOSYNOSTOSIS SYNDROME; CRANIOSYNOSTOSIS WITH ARACHNODACTYLY AND ABDOMINAL HERNIAS. Identifiers: Orphanet 2462, MedGen C1321551, MONDO:0008426, OMIM 182212.
Familial thoracic aortic aneurysm and aortic dissection (TAAD). Also called: Thoracic aortic aneurysms and dissections. Identifiers: Orphanet 91387, MedGen C4707243, MONDO:0019625.

Allele frequency attached by ClinVar (database versions not stated): gnomAD 0.00001.

Submissions (2):

Ambry Genetics
Classification: Uncertain significance for Familial thoracic aortic aneurysm and aortic dissection. Last evaluated: 2026-07-31. Review status: criteria provided, single submitter. Criteria: Ambry Variant Classification Scheme 2023. Collection method: clinical testing. Allele origin: germline.
Comment: The p.L393F variant (also known as c.1177C>T), located in coding exon 3 of the SKI gene, results from a C to T substitution at nucleotide position 1177. The leucine at codon 393 is replaced by phenylalanine, an amino acid with highly similar properties. This amino acid position is conserved. In addition, this alteration is predicted to be tolerated by in silico analysis. Based on the available evidence, the clinical significance of this variant remains unclear.

Labcorp Genetics (formerly Invitae), Labcorp
Classification: Uncertain significance for Shprintzen-Goldberg syndrome. Last evaluated: 2025-09-03. Review status: criteria provided, single submitter. Criteria: Invitae Variant Classification Sherloc (09022015). Collection method: clinical testing. Allele origin: germline.
Comment: This sequence change replaces leucine, which is neutral and non-polar, with phenylalanine, which is neutral and non-polar, at codon 393 of the SKI protein (p.Leu393Phe). This variant is present in population databases (rs768838307, gnomAD 0.002%). This variant has not been reported in the literature in individuals affected with SKI-related conditions. ClinVar contains an entry for this variant (Variation ID: 2980506). Invitae Evidence Modeling of protein sequence and biophysical properties (such as structural, functional, and spatial information, amino acid conservation, physicochemical variation, residue mobility, and thermodynamic stability) indicates that this missense variant is not expected to disrupt SKI protein function with a negative predictive value of 95%. In summary, the available evidence is currently insufficient to determine the role of this variant in disease. Therefore, it has been classified as a Variant of Uncertain Significance.